The following is an entry in ClinVar:

ClinVar aggregate classification (germline): Uncertain significance (1 of 4 stars; one submission).

Submission:

Labcorp Genetics (formerly Invitae), Labcorp
Classification: Uncertain significance. Last evaluated: 2024-03-27. Review status: criteria provided, single submitter. Criteria: Invitae Variant Classification Sherloc (09022015). Collection method: clinical testing. Allele origin: germline.
Comment: This sequence change replaces proline, which is neutral and non-polar, with leucine, which is neutral and non-polar, at codon 26 of the SYT2 protein (p.Pro26Leu). This variant is not present in population databases (gnomAD no frequency). This variant has not been reported in the literature in individuals affected with SYT2-related conditions. Algorithms developed to predict the effect of missense changes on protein structure and function output the following: SIFT: "Not Available"; PolyPhen-2: "Benign"; Align-GVGD: "Not Available". The leucine amino acid residue is found in multiple mammalian species, which suggests that this missense change does not adversely affect protein function. In summary, the available evidence is currently insufficient to determine the role of this variant in disease. Therefore, it has been classified as a Variant of Uncertain Significance.

NM_177402.5(SYT2):c.77C>T (p.Pro26Leu)

Gene: SYT2 (synaptotagmin 2; minus strand). Cytogenetic location: 1q32.1.
Variant type: single nucleotide variant.
Coding change: c.77C>T on transcript NM_177402.5 (MANE Select); coding-DNA position 77, C replaced by T.
Protein change: p.Pro26Leu; replaces proline 26 with leucine.
Molecular consequence: missense variant.
Genome position (GRCh38, 1-based): chr1:202,605,696, G>A on the plus strand (C>T on the coding strand, the complement: SYT2 is on the minus strand). VCF-style: chr1-202605696-G-A. GRCh37 (hg19) VCF-style: chr1-202574824-G-A.
Other names: c.77C>T, p.Pro26Leu (NM_001136504.1); short protein forms P26L.
Identifiers: ClinVar variation 3687575 (VCV003687575.2).